The following is an entry in ClinVar:

ClinVar aggregate classification (germline): Likely pathogenic (1 of 4 stars; one submission).

Conditions:
Hereditary factor IX deficiency disease (HEMB). Also called: F9 DEFICIENCY; FACTOR IX DEFICIENCY; PLASMA THROMBOPLASTIN COMPONENT DEFICIENCY; Hemophilia B; Christmas Disease. Identifiers: Orphanet 98879, MedGen C0008533, MeSH D002836, MONDO:0010604, OMIM 306900.

gnomAD v4.1: 1 of 1,134,556 alleles (0.000088%); highest among the groups gnomAD compares: Non-Finnish European, 0.00012%; no homozygotes.

Submission:

Centre of Medical Genetics, University Hospital Muenster
Classification: Likely pathogenic for Hereditary factor IX deficiency disease. Last evaluated: 2022-02-21. Review status: criteria provided, single submitter. Criteria: ACMG Guidelines, 2015. Collection method: clinical testing. Allele origin: germline. Affected: yes. Observed: 1 variant allele.
Comment: ACMG categories: PM2,PP3,PP4,PP5

NM_000133.4(F9):c.391+5G>A

Gene: F9 (coagulation factor IX; plus strand). Cytogenetic location: Xq27.1.
Variant type: single nucleotide variant.
Coding change: c.391+5G>A on transcript NM_000133.4 (MANE Select); 5 bases into the intron after coding-DNA position 391, G replaced by A.
Molecular consequence: intron variant.
Genome position (GRCh38, 1-based): chrX:139,541,194, G>A. VCF-style: chrX-139541194-G-A. GRCh37 (hg19) VCF-style: chrX-138623353-G-A.
Other names: c.277+3808G>A (NM_001313913.2).
Identifiers: ClinVar variation 1342153 (VCV001342153.3), dbSNP rs2148358021, ClinGen allele CA2567791332.
Genomic context (GRCh38, chrX:139,541,194, plus strand): 5'-TAATTCCTATGAATGTTGGTGTCCCTTTGGATTTGAAGGAAAGAACTGTGAATTAGGTAA[G>A]TAACTATTTTTTGAATACTCATGGTTCAAAGTTTCCCTCTGAAACAAGTTGAAACTGGAA-3'